The following is an entry in ClinVar:

ClinVar aggregate classification (germline): Uncertain significance (1 of 4 stars; one submission).

Allele frequency attached by ClinVar (database versions not stated): gnomAD exomes below 0.00001.
gnomAD v4.1: 2 of 1,614,110 alleles (0.00012%); highest among the groups gnomAD compares: Non-Finnish European, 0.00017%; no homozygotes.

Submission:

Labcorp Genetics (formerly Invitae), Labcorp
Classification: Uncertain significance. Last evaluated: 2024-03-05. Review status: criteria provided, single submitter. Criteria: Invitae Variant Classification Sherloc (09022015). Collection method: clinical testing. Allele origin: germline.
Comment: This sequence change replaces histidine, which is basic and polar, with glutamine, which is neutral and polar, at codon 823 of the SETBP1 protein (p.His823Gln). This variant is present in population databases (no rsID available, gnomAD 0.0009%). This variant has not been reported in the literature in individuals affected with SETBP1-related conditions. ClinVar contains an entry for this variant (Variation ID: 1715120). Advanced modeling of protein sequence and biophysical properties (such as structural, functional, and spatial information, amino acid conservation, physicochemical variation, residue mobility, and thermodynamic stability) performed at Invitae indicates that this missense variant is not expected to disrupt SETBP1 protein function with a negative predictive value of 80%. In summary, the available evidence is currently insufficient to determine the role of this variant in disease. Therefore, it has been classified as a Variant of Uncertain Significance.

NM_015559.3(SETBP1):c.2469C>G (p.His823Gln)

Gene: SETBP1 (SET binding protein 1; plus strand). Cytogenetic location: 18q12.3.
Variant type: single nucleotide variant.
Coding change: c.2469C>G on transcript NM_015559.3 (MANE Select); coding-DNA position 2469, C replaced by G.
Protein change: p.His823Gln; replaces histidine 823 with glutamine.
Molecular consequence: missense variant.
Genome position (GRCh38, 1-based): chr18:44,951,809, C>G. VCF-style: chr18-44951809-C-G. GRCh37 (hg19) VCF-style: chr18-42531774-C-G.
Other names: c.2469C>G, p.His823Gln (NM_001379141.1, NM_001379142.1, NM_001410862.1); short protein forms H823Q.
Identifiers: ClinVar variation 1715120 (VCV001715120.5), dbSNP rs1453459518, ClinGen allele CA402321418.